The following is an entry in ClinVar:

NM_173648.4(CCDC141):c.163A>T (p.Ser55Cys)

Gene: CCDC141 (coiled-coil domain containing 141; minus strand). Cytogenetic location: 2q31.2.
Variant type: single nucleotide variant.
Coding change: c.163A>T on transcript NM_173648.4 (MANE Select); coding-DNA position 163, A replaced by T.
Protein change: p.Ser55Cys; replaces serine 55 with cysteine.
Molecular consequence: missense variant.
Genome position (GRCh38, 1-based): chr2:179,047,346, T>A on the plus strand (A>T on the coding strand, the complement: CCDC141 is on the minus strand). VCF-style: chr2-179047346-T-A. GRCh37 (hg19) VCF-style: chr2-179912073-T-A.
Other names: c.163A>T, p.Ser55Cys (NM_001316745.2); short protein forms S55C.
Identifiers: ClinVar variation 2575389 (VCV002575389.4), dbSNP rs755133675, ClinGen allele CA2007351.

ClinVar aggregate classification (germline): Uncertain significance. Review status: criteria provided, multiple submitters, no conflicts (2 of 4 stars). 2 submissions from 2 submitters: Uncertain significance (2). Last evaluated 2025-05-28.

Allele frequency attached by ClinVar (database versions not stated): ExAC 0.00041; TOPMed 0.00012; gnomAD 0.00026.
gnomAD v4.1: 306 of 1,542,546 alleles (0.02%); highest among the groups gnomAD compares: Non-Finnish European, 0.017%; no homozygotes.

Submissions (2):

Labcorp Genetics (formerly Invitae), Labcorp
Classification: Uncertain significance. Last evaluated: 2025-05-28. Review status: criteria provided, single submitter. Criteria: Invitae Variant Classification Sherloc (09022015). Collection method: clinical testing. Allele origin: germline.
Comment: This sequence change replaces serine, which is neutral and polar, with cysteine, which is neutral and slightly polar, at codon 55 of the CCDC141 protein (p.Ser55Cys). This variant is present in population databases (rs755133675, gnomAD 0.2%), and has an allele count higher than expected for a pathogenic variant. This missense change has been observed in individual(s) with clinical features of idiopathic hypogonadotropic hypogonadism (PMID: 34930920). ClinVar contains an entry for this variant (Variation ID: 2575389). An algorithm developed to predict the effect of missense changes on protein structure and function (PolyPhen-2) suggests that this variant is likely to be tolerated. Experimental studies have shown that this missense change affects CCDC141 function (PMID: 34930920). In summary, the available evidence is currently insufficient to determine the role of this variant in disease. Therefore, it has been classified as a Variant of Uncertain Significance.

Center for Genomic Medicine, Rigshospitalet, Copenhagen University Hospital
Classification: Uncertain significance. Last evaluated: 2025-03-04. Review status: criteria provided, single submitter. Criteria: ACMG Guidelines, 2015. Collection method: clinical testing. Allele origin: germline.

Literature cited by the submitters: PubMed 34930920 (cited by Labcorp Genetics (formerly Invitae), Labcorp and Center for Genomic Medicine, Rigshospitalet, Copenhagen University Hospital); PubMed 32520725 (cited by Center for Genomic Medicine, Rigshospitalet, Copenhagen University Hospital); PubMed 28324054 (cited by Center for Genomic Medicine, Rigshospitalet, Copenhagen University Hospital).